The following is an entry in ClinVar:

ClinVar aggregate classification (germline): Likely benign (1 of 4 stars; one submission).

Submission:

CeGaT Center for Human Genetics Tuebingen
Classification: Likely benign. Last evaluated: 2023-01-01. Review status: criteria provided, single submitter. Criteria: CeGaT Center For Human Genetics Tuebingen Variant Classification Criteria Version 2. Collection method: clinical testing. Allele origin: germline. Affected: yes. Observed: 1 variant allele.
Comment: ATP1B4: PM2:Supporting, BP4, BP7

NM_001142447.3(ATP1B4):c.981G>T (p.Val327=)

Gene: ATP1B4 (ATPase Na+/K+ transporting family member beta 4; plus strand). Cytogenetic location: Xq24.
Variant type: single nucleotide variant.
Coding change: c.981G>T on transcript NM_001142447.3 (MANE Select); coding-DNA position 981, G replaced by T.
Protein change: p.Val327=; no amino-acid change (valine 327 retained).
Molecular consequence: synonymous variant.
Genome position (GRCh38, 1-based): chrX:120,379,541, G>T. VCF-style: chrX-120379541-G-T. GRCh37 (hg19) VCF-style: chrX-119513396-G-T.
Other names: c.969G>T, p.Val323= (NM_012069.5).
Identifiers: ClinVar variation 2661325 (VCV002661325.24), dbSNP rs2520705542, ClinGen allele CA518401688.